The following is an entry in ClinVar:

NM_003392.7(WNT5A):c.644G>A (p.Arg215His)

Gene: WNT5A (Wnt family member 5A; minus strand). Cytogenetic location: 3p14.3.
Variant type: single nucleotide variant.
Coding change: c.644G>A on transcript NM_003392.7 (MANE Select); coding-DNA position 644, G replaced by A.
Protein change: p.Arg215His; replaces arginine 215 with histidine.
Molecular consequence: missense variant.
Genome position (GRCh38, 1-based): chr3:55,474,377, C>T on the plus strand (G>A on the coding strand, the complement: WNT5A is on the minus strand). VCF-style: chr3-55474377-C-T. GRCh37 (hg19) VCF-style: chr3-55508405-C-T.
Other names: c.599G>A, p.Arg200His (NM_001256105.1, NM_001377271.1, NM_001377272.1); short protein forms R215H, R200H.
Identifiers: ClinVar variation 4994440 (VCV004994440.1).

ClinVar aggregate classification (germline): Uncertain significance (1 of 4 stars; one submission).

Conditions:
WNT5A-related disorder. Also called: WNT5A-related condition.

gnomAD v4.1: 2 of 1,612,908 alleles (0.00012%); highest among the groups gnomAD compares: Non-Finnish European, 0.000085%; no homozygotes.

Submission:

PreventionGenetics, part of Exact Sciences
Classification: Uncertain significance for WNT5A-related condition. Last evaluated: 2026-01-03. Review status: criteria provided, single submitter. Criteria: ACMG Guidelines, 2015. Collection method: clinical testing. Allele origin: germline.
Comment: The WNT5A c.644G>A variant is predicted to result in the amino acid substitution p.Arg215His. To our knowledge, this variant has not been reported in the literature. This variant is reported in 0.0% of alleles in individuals of African descent in gnomAD. At this time, the clinical significance of this variant is uncertain due to the absence of conclusive functional and genetic evidence.